The following is an entry in ClinVar:

ClinVar aggregate classification (germline): Benign (0 of 4 stars; one submission).

Conditions:
CTDP1-related disorder. Also called: CTDP1-related condition.

Allele frequency attached by ClinVar (database versions not stated): gnomAD 0.00015; ESP Exome Variant Server 0.00016; gnomAD exomes 0.00018; TOPMed 0.00019; ExAC 0.00053.
gnomAD v4.1: 302 of 1,563,818 alleles (0.019%); highest among the groups gnomAD compares: Admixed American, 0.0096%; no homozygotes.

Submission:

PreventionGenetics, part of Exact Sciences
Classification: Benign for CTDP1-related condition. Last evaluated: 2019-11-11. Review status: no assertion criteria provided. Collection method: clinical testing. Allele origin: germline.
Comment: This variant is classified as benign based on ACMG/AMP sequence variant interpretation guidelines (Richards et al. 2015 PMID: 25741868, with internal and published modifications).

NM_004715.5(CTDP1):c.1487C>T (p.Ala496Val)

Gene: CTDP1 (CTD phosphatase subunit 1; plus strand). Cytogenetic location: 18q23.
Variant type: single nucleotide variant.
Coding change: c.1487C>T on transcript NM_004715.5 (MANE Select); coding-DNA position 1487, C replaced by T.
Protein change: p.Ala496Val; replaces alanine 496 with valine.
Molecular consequence: missense variant.
Genome position (GRCh38, 1-based): chr18:79,714,947, C>T. VCF-style: chr18-79714947-C-T. GRCh37 (hg19) VCF-style: chr18-77474947-C-T.
Other names: c.1130C>T, p.Ala377Val (NM_001202504.1); c.1487C>T, p.Ala496Val (NM_001318511.2, NM_048368.4); short protein forms A377V, A496V.
Identifiers: ClinVar variation 3045497 (VCV003045497.2), dbSNP rs374354154, ClinGen allele CA9010317.